The following is an entry in ClinVar:

NM_000629.3(IFNAR1):c.193T>C (p.Tyr65His)

Gene: IFNAR1 (interferon alpha and beta receptor subunit 1; plus strand). Cytogenetic location: 21q22.11.
Variant type: single nucleotide variant.
Coding change: c.193T>C on transcript NM_000629.3 (MANE Select); coding-DNA position 193, T replaced by C.
Protein change: p.Tyr65His; replaces tyrosine 65 with histidine.
Molecular consequence: missense variant. On other transcripts: 5 prime UTR variant (3).
Genome position (GRCh38, 1-based): chr21:33,335,640, T>C. VCF-style: chr21-33335640-T-C. GRCh37 (hg19) VCF-style: chr21-34707946-T-C.
Other names: c.193T>C, p.Tyr65His (NM_001384498.1, NM_001384499.1, NM_001384501.1 and 1 more transcripts); c.-594T>C (NM_001384500.1); c.-191T>C (NM_001384502.1); c.-15T>C (NM_001384504.1); short protein forms Y65H.
Identifiers: ClinVar variation 2114900 (VCV002114900.4), dbSNP rs776957290, ClinGen allele CA10006409.

ClinVar aggregate classification (germline): Uncertain significance (1 of 4 stars; one submission).

Allele frequency attached by ClinVar (database versions not stated): ExAC 0.00001; gnomAD 0.00001; gnomAD exomes 0.00001; TOPMed 0.00001.

Submission:

Labcorp Genetics (formerly Invitae), Labcorp
Classification: Uncertain significance. Last evaluated: 2022-03-28. Review status: criteria provided, single submitter. Criteria: Invitae Variant Classification Sherloc (09022015). Collection method: clinical testing. Allele origin: germline.
Comment: This sequence change replaces tyrosine, which is neutral and polar, with histidine, which is basic and polar, at codon 65 of the IFNAR1 protein (p.Tyr65His). Algorithms developed to predict the effect of missense changes on protein structure and function (SIFT, PolyPhen-2, Align-GVGD) all suggest that this variant is likely to be disruptive. This variant is present in population databases (rs776957290, gnomAD 0.001%). This variant has not been reported in the literature in individuals affected with IFNAR1-related conditions. In summary, the available evidence is currently insufficient to determine the role of this variant in disease. Therefore, it has been classified as a Variant of Uncertain Significance.